The following is an entry in ClinVar:

ClinVar aggregate classification (germline): Uncertain significance. Review status: criteria provided, multiple submitters, no conflicts (2 of 4 stars). 2 submissions from 2 submitters: Uncertain significance (2). Last evaluated 2024-11-03.

Conditions:
Left ventricular noncompaction 8 (LVNC8). Identifiers: Orphanet 154, Orphanet 54260, MedGen C3809288, MONDO:0014152, OMIM 615373.

Allele frequency attached by ClinVar (database versions not stated): gnomAD 0.00004; ExAC 0.00005; 1000 Genomes Project 30x 0.00016; TOPMed 0.00005; 1000 Genomes Project 0.00040.
gnomAD v4.1: 28 of 1,416,154 alleles (0.002%); highest among the groups gnomAD compares: Admixed American, 0.034%; no homozygotes.

Submissions (2):

Labcorp Genetics (formerly Invitae), Labcorp
Classification: Uncertain significance for Left ventricular noncompaction 8. Last evaluated: 2024-11-03. Review status: criteria provided, single submitter. Criteria: Invitae Variant Classification Sherloc (09022015). Collection method: clinical testing. Allele origin: germline.
Comment: This sequence change replaces aspartic acid, which is acidic and polar, with asparagine, which is neutral and polar, at codon 941 of the PRDM16 protein (p.Asp941Asn). This variant is present in population databases (rs538880639, gnomAD 0.05%). This variant has not been reported in the literature in individuals affected with PRDM16-related conditions. ClinVar contains an entry for this variant (Variation ID: 2079751). An algorithm developed to predict the effect of missense changes on protein structure and function (PolyPhen-2) suggests that this variant is likely to be tolerated. In summary, the available evidence is currently insufficient to determine the role of this variant in disease. Therefore, it has been classified as a Variant of Uncertain Significance.

Breakthrough Genomics
Classification: Uncertain significance. Review status: criteria provided, single submitter. Criteria: ACMG Guidelines, 2015. Collection method: not provided. Allele origin: germline. Inheritance: Autosomal dominant inheritance. Affected: yes.

NM_022114.4(PRDM16):c.2821G>A (p.Asp941Asn)

Gene: PRDM16 (PR/SET domain 16; plus strand). Cytogenetic location: 1p36.32.
Variant type: single nucleotide variant.
Coding change: c.2821G>A on transcript NM_022114.4 (MANE Select); coding-DNA position 2821, G replaced by A.
Protein change: p.Asp941Asn; replaces aspartic acid 941 with asparagine.
Molecular consequence: missense variant.
Genome position (GRCh38, 1-based): chr1:3,417,957, G>A. VCF-style: chr1-3417957-G-A. GRCh37 (hg19) VCF-style: chr1-3334521-G-A.
Other names: c.2821G>A, p.Asp941Asn (NM_199454.3); short protein forms D941N.
Identifiers: ClinVar variation 2079751 (VCV002079751.5), dbSNP rs538880639, ClinGen allele CA544621.